The following is an entry in ClinVar:

ClinVar aggregate classification (germline): Uncertain significance. Review status: criteria provided, multiple submitters, no conflicts (2 of 4 stars). 6 submissions from 6 submitters: Uncertain significance (6). Last evaluated 2025-10-15.

Conditions:
Cardiovascular phenotype. Identifiers: MedGen CN230736.
Cardiac arrhythmia. Also called: Cardiac rhythm disease; Arrhythmia. Identifiers: MedGen C0003811, MONDO:0007263, HP:0011675.
Long QT syndrome (LQTS). Identifiers: MedGen C0023976, MeSH D008133, MONDO:0002442. Disease mechanism: loss of function. Inheritance: Various modes of inheritance.
Long QT syndrome 2 (LQT2). Identifiers: Orphanet 101016, Orphanet 768, MedGen C3150943, MONDO:0013367, OMIM 613688.

Allele frequency attached by ClinVar (database versions not stated): gnomAD exomes 0.00001 and 0.00002; gnomAD 0.00002; TOPMed 0.00002.

Submissions (6):

Ambry Genetics
Classification: Uncertain significance for Cardiovascular phenotype. Last evaluated: 2025-10-15. Review status: criteria provided, single submitter. Criteria: Ambry Variant Classification Scheme 2023. Collection method: clinical testing. Allele origin: germline.
Comment: The p.M133T variant (also known as c.398T>C), located in coding exon 3 of the KCNH2 gene, results from a T to C substitution at nucleotide position 398. The methionine at codon 133 is replaced by threonine, an amino acid with similar properties. This amino acid position is well conserved in available vertebrate species. In addition, the in silico prediction for this alteration is inconclusive. Based on the available evidence, the clinical significance of this variant remains unclear.

Labcorp Genetics (formerly Invitae), Labcorp
Classification: Uncertain significance for Long QT syndrome. Last evaluated: 2025-09-02. Review status: criteria provided, single submitter. Criteria: Invitae Variant Classification Sherloc (09022015). Collection method: clinical testing. Allele origin: germline.
Comment: This sequence change replaces methionine, which is neutral and non-polar, with threonine, which is neutral and polar, at codon 133 of the KCNH2 protein (p.Met133Thr). This variant is present in population databases (rs794728353, gnomAD 0.002%). This variant has not been reported in the literature in individuals affected with KCNH2-related conditions. ClinVar contains an entry for this variant (Variation ID: 200282). An algorithm developed to predict the effect of missense changes on protein structure and function (PolyPhen-2) suggests that this variant is likely to be tolerated. In summary, the available evidence is currently insufficient to determine the role of this variant in disease. Therefore, it has been classified as a Variant of Uncertain Significance.

All of Us Research Program, National Institutes of Health
Classification: Uncertain significance for Long QT syndrome. Last evaluated: 2023-11-02. Review status: criteria provided, single submitter. Criteria: ACMG Guidelines, 2015. Collection method: clinical testing. Allele origin: germline. Inheritance: Autosomal dominant inheritance. Observed: 4 variant alleles, 4 heterozygotes.
Comment: This missense variant replaces methionine with threonine at codon 133 of the KCNH2 protein. Computational prediction suggests that this variant may not impact protein structure and function (internally defined REVEL score threshold <= 0.5, PMID: 27666373). This variant is found within a highly conserved N-terminus region (a.a. 131-156). Rare non-truncating variants in this region have been shown to be significantly overrepresented in individuals with long QT syndrome (PMID: 32893267). To our knowledge, functional studies have not been reported for this variant. This variant has not been reported in individuals affected with cardiovascular disorders in the literature. This variant has been identified in 3/282776 chromosomes in the general population by the Genome Aggregation Database (gnomAD). The available evidence is insufficient to determine the role of this variant in disease conclusively. Therefore, this variant is classified as a Variant of Uncertain Significance.

This study involves interpretation of variants in research participants for the purpose of population health screening. Participant phenotype was not available at the time of variant classification. Additional details can be found in publication PMID: 35346344, PMCID: PMC8962531

Color Diagnostics, LLC DBA Color Health
Classification: Uncertain significance for Cardiac arrhythmia. Last evaluated: 2023-10-12. Review status: criteria provided, single submitter. Criteria: ACMG Guidelines, 2015. Collection method: clinical testing. Allele origin: germline.
Comment: This missense variant replaces methionine with threonine at codon 133 of the KCNH2 protein. Computational prediction suggests that this variant may not impact protein structure and function (internally defined REVEL score threshold <= 0.5, PMID: 27666373). This variant is found within a highly conserved N-terminus region (a.a. 131-156). Rare non-truncating variants in this region have been shown to be significantly overrepresented in individuals with long QT syndrome (PMID: 32893267). To our knowledge, functional studies have not been reported for this variant. This variant has not been reported in individuals affected with cardiovascular disorders in the literature. This variant has been identified in 3/282776 chromosomes in the general population by the Genome Aggregation Database (gnomAD). The available evidence is insufficient to determine the role of this variant in disease conclusively. Therefore, this variant is classified as a Variant of Uncertain Significance.

Genomic Diagnostic Laboratory, Division of Genomic Diagnostics, Children's Hospital of Philadelphia
Classification: Uncertain significance for Long QT syndrome 2. Last evaluated: 2015-08-07. Review status: criteria provided, single submitter. Criteria: DGD Variant Analysis Guidelines. Collection method: clinical testing. Allele origin: unknown.

GeneDx
Classification: Uncertain significance. Last evaluated: 2013-04-03. Review status: criteria provided, single submitter. Criteria: GeneDx Variant Classification (06012015). Collection method: clinical testing. Allele origin: germline. Affected: yes.
Comment: p.Met133Thr (ATG>ACG): c.398 T>C in exon 3 of the KCNH2 gene (NM_000238.2). The Met133Thr variant in the KCNH2 gene has not been reported as a disease-causing mutation or as a benign polymorphism to our knowledge. Met133Thr results in a non-conservative amino acid substitution of a non-polar Methionine with a polar Threonine at a position that is not conserved across species. Mutations in nearby codons (Glu130Lys, Pro141Leu) have been reported in association with LQTS, supporting the functional importance of this region of the protein. The Met133Thr variant was not observed in approximately 6,500 individuals of European and African American ancestry in the NHLBI Exome Sequencing Project, indicating it is not a common benign variant in these populations. With the clinical and molecular information available at this time, we cannot definitively determine if Met133Thr is a disease-causing mutation or a rare benign variant. The variant is found in LQT panel(s).

Literature cited by the submitters: PubMed 32893267 (cited by All of Us Research Program, National Institutes of Health and Color Diagnostics, LLC DBA Color Health).

NM_000238.4(KCNH2):c.398T>C (p.Met133Thr)

Gene: KCNH2 (potassium voltage-gated channel subfamily H member 2; minus strand). Cytogenetic location: 7q36.1.
Variant type: single nucleotide variant.
Coding change: c.398T>C on transcript NM_000238.4 (MANE Select); coding-DNA position 398, T replaced by C.
Protein change: p.Met133Thr; replaces methionine 133 with threonine.
Molecular consequence: missense variant.
Genome position (GRCh38, 1-based): chr7:150,959,646, A>G on the plus strand (T>C on the coding strand, the complement: KCNH2 is on the minus strand). VCF-style: chr7-150959646-A-G. GRCh37 (hg19) VCF-style: chr7-150656734-A-G.
Other names: p.M133T:ATG>ACG; c.110T>C, p.Met37Thr (NM_001406753.1, NM_001406756.1); c.221T>C, p.Met74Thr (NM_001406755.1); c.98T>C, p.Met33Thr (NM_001406757.1); c.398T>C, p.Met133Thr (NM_172056.3); short protein forms M133T, M74T, M33T, M37T.
Identifiers: ClinVar variation 200282 (VCV000200282.17), dbSNP rs794728353, ClinGen allele CA008423.
Genomic context (GRCh38, chr7:150,959,646, plus strand): 5'-CTGGTGGGGGGGCCCCGGTGGTTGGTGTCATGAGCCGGGGACCCCACCATGTCCTTCTCC[A>G]TCACCACCTCGAAATTGAGGATGAACATGATGACAGCCCCATCCTCGTTCTTCACGGGCA-3'
Protein context (NP_000229.1, residues 123-143): IMFILNFEVV[Met133Thr]EKDMVGSPAH